The following is an entry in ClinVar:

NM_015340.4(LARS2):c.2292+8_2292+9delinsTT

Gene: LARS2 (leucyl-tRNA synthetase 2, mitochondrial; plus strand). Cytogenetic location: 3p21.31.
Variant type: Indel.
Coding change: c.2292+8_2292+9delinsTT on transcript NM_015340.4 (MANE Select); bases 8 to 9 of the intron after coding-DNA position 2292, GC replaced by TT.
Molecular consequence: intron variant.
Genome position (GRCh38, 1-based): chr3:45,520,304-45,520,305, GC replaced by TT. VCF-style: chr3-45520304-GC-TT. GRCh37 (hg19) VCF-style: chr3-45561796-GC-TT.
Other names: c.2292+8_2292+9delinsTT (NM_001368263.1).
Identifiers: ClinVar variation 422105 (VCV000422105.1), dbSNP rs1064795560, ClinGen allele CA16617970.
Genomic context (GRCh38, chr3:45,520,304, plus strand): 5'-TCTCACTGAATTCTGCAATTTCTCAGCTGATGGGACTCAGCAATGCCCTCTCGGTAAGTG[GC>TT]CTGTCCTCATTTGCTGGTAGCAGAGGAGGGAGGGAGAGGTGTGGCAAGGGGCCCCACAGG-3'

ClinVar aggregate classification (germline): Likely benign (1 of 4 stars; one submission).

Submission:

GeneDx
Classification: Likely benign. Last evaluated: 2016-09-07. Review status: criteria provided, single submitter. Criteria: GeneDx Variant Classification (06012015). Collection method: clinical testing. Allele origin: germline. Affected: yes.
Comment: This variant is considered likely benign or benign based on one or more of the following criteria: it is a conservative change, it occurs at a poorly conserved position in the protein, it is predicted to be benign by multiple in silico algorithms, and/or has population frequency not consistent with disease.